The following is an entry in ClinVar:

NM_213599.3(ANO5):c.2642T>G (p.Leu881Arg)

Gene: ANO5 (anoctamin 5; plus strand). Cytogenetic location: 11p14.3.
Variant type: single nucleotide variant.
Coding change: c.2642T>G on transcript NM_213599.3 (MANE Select); coding-DNA position 2642, T replaced by G.
Protein change: p.Leu881Arg; replaces leucine 881 with arginine.
Molecular consequence: missense variant.
Genome position (GRCh38, 1-based): chr11:22,279,665, T>G. VCF-style: chr11-22279665-T-G. GRCh37 (hg19) VCF-style: chr11-22301211-T-G.
Other names: c.2639T>G, p.Leu880Arg (NM_001142649.2); short protein forms L881R, L880R.
Identifiers: ClinVar variation 1463456 (VCV001463456.8), dbSNP rs1394763627, ClinGen allele CA379925157.
Genomic context (GRCh38, chr11:22,279,665, plus strand): 5'-TTGTGGAGAGAATCAAGAGAGAAAAGTTAATGACTATCAAGATTCTCCATGATTTTGAGC[T>G]CAACAAATTAAAAGAGAACTTGGGAATTAATTCTAATGAATTTGCCAAGCATGTCATGAT-3'
Protein context (NP_998764.1, residues 871-891): MTIKILHDFE[Leu881Arg]NKLKENLGIN

ClinVar aggregate classification (germline): Uncertain significance (1 of 4 stars; one submission).

Conditions:
Gnathodiaphyseal dysplasia (GDD). Also called: GNATHODIAPHYSEAL SCLEROSIS; OSTEOGENESIS IMPERFECTA WITH UNUSUAL SKELETAL LESIONS. Identifiers: Orphanet 53697, MedGen C1833736, MONDO:0008151, OMIM 166260.
Autosomal recessive limb-girdle muscular dystrophy type 2L (LGMDR12). Also called: Limb-girdle muscular dystrophy, type 2L; MUSCULAR DYSTROPHY, LIMB-GIRDLE, AUTOSOMAL RECESSIVE 12; Limb-Girdle Muscular Dystrophy R12 Anoctamin-5-Related (LGMD-R12). Identifiers: Orphanet 206549, MedGen C1969785, MONDO:0012652, OMIM 611307.

Allele frequency attached by ClinVar (database versions not stated): gnomAD exomes below 0.00001.
gnomAD v4.1: 1 of 1,612,928 alleles (0.000062%); highest among the groups gnomAD compares: Non-Finnish European, 0.000085%; no homozygotes.

Submission:

Labcorp Genetics (formerly Invitae), Labcorp
Classification: Uncertain significance for Autosomal recessive limb-girdle muscular dystrophy type 2L; Gnathodiaphyseal dysplasia. Last evaluated: 2021-01-30. Review status: criteria provided, single submitter. Criteria: Invitae Variant Classification Sherloc (09022015). Collection method: clinical testing. Allele origin: germline.
Comment: In summary, the available evidence is currently insufficient to determine the role of this variant in disease. Therefore, it has been classified as a Variant of Uncertain Significance. Advanced modeling of protein sequence and biophysical properties (such as structural, functional, and spatial information, amino acid conservation, physicochemical variation, residue mobility, and thermodynamic stability) performed at Invitae indicates that this missense variant is expected to disrupt ANO5 protein function. This variant has not been reported in the literature in individuals with ANO5-related conditions. This variant is not present in population databases (ExAC no frequency). This sequence change replaces leucine with arginine at codon 881 of the ANO5 protein (p.Leu881Arg). The leucine residue is moderately conserved and there is a moderate physicochemical difference between leucine and arginine.